The following is an entry in ClinVar:

NM_005732.4(RAD50):c.1052-2A>G

Gene: RAD50 (RAD50 double strand break repair protein; plus strand). Cytogenetic location: 5q31.1.
Variant type: single nucleotide variant.
Coding change: c.1052-2A>G on transcript NM_005732.4 (MANE Select); the canonical splice acceptor site of the intron before coding-DNA position 1052, A replaced by G.
Molecular consequence: splice acceptor variant.
Genome position (GRCh38, 1-based): chr5:132,588,685, A>G. VCF-style: chr5-132588685-A-G. GRCh37 (hg19) VCF-style: chr5-131924377-A-G.
Identifiers: ClinVar variation 3619901 (VCV003619901.2).

ClinVar aggregate classification (germline): Likely pathogenic (1 of 4 stars; one submission).

Conditions:
Hereditary cancer-predisposing syndrome. Also called: Hereditary Cancer Syndrome; Neoplastic Syndromes, Hereditary; Tumor predisposition; Hereditary neoplastic syndrome. Identifiers: Orphanet 140162, MedGen C0027672, MeSH D009386, MONDO:0015356.

gnomAD v4.1: 1 of 1,608,584 alleles (0.000062%); highest among the groups gnomAD compares: Non-Finnish European, 0.000085%; no homozygotes.

Submission:

Labcorp Genetics (formerly Invitae), Labcorp
Classification: Likely pathogenic for Hereditary cancer-predisposing syndrome. Last evaluated: 2024-07-30. Review status: criteria provided, single submitter. Criteria: Invitae Variant Classification Sherloc (09022015). Collection method: clinical testing. Allele origin: germline.
Comment: This sequence change affects an acceptor splice site in intron 7 of the RAD50 gene. It is expected to disrupt RNA splicing. Variants that disrupt the donor or acceptor splice site typically lead to a loss of protein function (PMID: 16199547), and loss-of-function variants in RAD50 are known to be pathogenic (PMID: 19409520). This variant is not present in population databases (gnomAD no frequency). This variant has not been reported in the literature in individuals affected with RAD50-related conditions. Algorithms developed to predict the effect of sequence changes on RNA splicing suggest that this variant may disrupt the consensus splice site. In summary, the currently available evidence indicates that the variant is pathogenic, but additional data are needed to prove that conclusively. Therefore, this variant has been classified as Likely Pathogenic.

Literature cited by the submitters: PubMed 16199547; PubMed 19409520.